The following is an entry in ClinVar:

NM_001793.6(CDH3):c.927dup (p.Thr310fs)

Gene: CDH3 (cadherin 3; plus strand). Cytogenetic location: 16q22.1.
Variant type: Duplication.
Coding change: c.927dup on transcript NM_001793.6 (MANE Select); coding-DNA position 927, one base duplicated (C; older notation c.927dupC).
Protein change: p.Thr310fs; shifts the reading frame from threonine 310.
Molecular consequence: frameshift variant.
Genome position (GRCh38, 1-based): chr16:68,681,027, C duplicated; the last of 2 consecutive C bases (chr16:68,681,026-68,681,027); duplicating either gives the same sequence. VCF-style (leftmost placement, unchanged base first): chr16-68681025-A-AC. GRCh37 (hg19) VCF-style: chr16-68714928-A-AC.
Other names: c.927dup, p.Thr310fs (NM_001317195.3); c.762dup, p.Thr255fs (NM_001317196.2); short protein forms T255fs, T310fs.
Identifiers: ClinVar variation 2050951 (VCV002050951.4), dbSNP rs1384363306, ClinGen allele CA623142331.

ClinVar aggregate classification (germline): Pathogenic (1 of 4 stars; one submission).

Submission:

Labcorp Genetics (formerly Invitae), Labcorp
Classification: Pathogenic. Last evaluated: 2022-09-09. Review status: criteria provided, single submitter. Criteria: Invitae Variant Classification Sherloc (09022015). Collection method: clinical testing. Allele origin: germline.
Comment: For these reasons, this variant has been classified as Pathogenic. This variant has not been reported in the literature in individuals affected with CDH3-related conditions. This variant is present in population databases (no rsID available, gnomAD 0.01%). This sequence change creates a premature translational stop signal (p.Thr310Hisfs*11) in the CDH3 gene. It is expected to result in an absent or disrupted protein product. Loss-of-function variants in CDH3 are known to be pathogenic (PMID: 15805154, 27386845, 29620724).

Literature cited by the submitters: PubMed 15805154; PubMed 27386845; PubMed 29620724.